The following is an entry in ClinVar:

ClinVar aggregate classification (germline): Conflicting classifications of pathogenicity. Review status: criteria provided, conflicting classifications (1 of 4 stars). 8 submissions from 8 submitters: Uncertain significance (5); Likely benign (1). 2 of the submissions do not count toward it. Last evaluated 2026-01-26.

Conditions:
PKHD1-related disorder. Also called: PKHD1-related condition.
Autosomal recessive polycystic kidney disease (ARPKD). Also called: AR polycystic kidney disease. Identifiers: Orphanet 731, Orphanet 8378, MedGen C0085548, MeSH D017044, MONDO:0009889.

Allele frequency attached by ClinVar (database versions not stated): gnomAD exomes 0.00014 and 0.00033; ExAC 0.00040; gnomAD 0.00133 and 0.00145; 1000 Genomes Project 0.00140; ESP Exome Variant Server 0.00146; TOPMed 0.00161; 1000 Genomes Project 30x 0.00172.
gnomAD v4.1: 413 of 1,612,900 alleles (0.026%); highest among the groups gnomAD compares: African/African-American, 0.48%; 1 homozygote.

Submissions (8):

Labcorp Genetics (formerly Invitae), Labcorp
Classification: Likely benign for Autosomal recessive polycystic kidney disease. Last evaluated: 2026-01-26. Review status: criteria provided, single submitter. Criteria: Invitae Variant Classification Sherloc (09022015). Collection method: clinical testing. Allele origin: germline.

GeneDx
Classification: Uncertain significance. Last evaluated: 2024-01-22. Review status: criteria provided, single submitter. Criteria: GeneDx Variant Classification Process June 2021. Collection method: clinical testing. Allele origin: germline. Affected: yes.
Comment: Identified in a patient with an unspecified nephropathy in published literature (PMID: 36938085); In silico analysis supports that this missense variant has a deleterious effect on protein structure/function; This variant is associated with the following publications: (PMID: 36938085)

Mayo Clinic Laboratories, Mayo Clinic
Classification: Uncertain significance. Last evaluated: 2023-02-16. Review status: criteria provided, single submitter. Criteria: ACMG Guidelines, 2015. Collection method: clinical testing. Allele origin: germline. Observed: 1 variant allele.

Greenwood Genetic Center Diagnostic Laboratories, Greenwood Genetic Center
Classification: Uncertain significance. Last evaluated: 2021-08-31. Review status: criteria provided, single submitter. Criteria: ACMG Guidelines, 2015. Collection method: clinical testing. Allele origin: germline. Affected: yes.
Comment: PP3

Illumina Laboratory Services, Illumina
Classification: Uncertain significance for Polycystic kidney disease 4. Last evaluated: 2018-01-12. Review status: criteria provided, single submitter. Criteria: ICSL Variant Classification Criteria 13 December 2019. Collection method: clinical testing. Allele origin: germline.

Eurofins Ntd Llc (ga)
Classification: Uncertain significance. Last evaluated: 2017-11-14. Review status: criteria provided, single submitter. Criteria: EGL Classification Definitions 2015. Collection method: clinical testing. Allele origin: germline. Observed: 13 variant alleles, 13 heterozygotes.

PreventionGenetics, part of Exact Sciences
Classification: Likely benign for PKHD1-related condition. Last evaluated: 2022-04-02. Review status: no assertion criteria provided. Collection method: clinical testing. Allele origin: germline. Not counted in ClinVar's aggregate classification.
Comment: This variant is classified as likely benign based on ACMG/AMP sequence variant interpretation guidelines (Richards et al. 2015 PMID: 25741868, with internal and published modifications).

Natera, Inc.
Classification: Likely benign for Autosomal recessive polycystic kidney disease. Last evaluated: 2020-01-03. Review status: no assertion criteria provided. Collection method: clinical testing. Allele origin: germline. Not counted in ClinVar's aggregate classification.

NM_138694.4(PKHD1):c.7307C>T (p.Thr2436Ile)

Gene: PKHD1 (PKHD1 ciliary IPT domain containing fibrocystin/polyductin; minus strand). Cytogenetic location: 6p12.2.
Variant type: single nucleotide variant.
Coding change: c.7307C>T on transcript NM_138694.4 (MANE Select); coding-DNA position 7307, C replaced by T.
Protein change: p.Thr2436Ile; replaces threonine 2436 with isoleucine.
Molecular consequence: missense variant.
Genome position (GRCh38, 1-based): chr6:51,883,136, G>A on the plus strand (C>T on the coding strand, the complement: PKHD1 is on the minus strand). VCF-style: chr6-51883136-G-A. GRCh37 (hg19) VCF-style: chr6-51747934-G-A.
Other names: p.Thr2436Ile; c.7307C>T, p.Thr2436Ile (NM_170724.3); short protein forms T2436I.
Identifiers: ClinVar variation 197555 (VCV000197555.27), dbSNP rs147851214, ClinGen allele CA245788.